The following is an entry in ClinVar:

ClinVar aggregate classification (germline): Benign/Likely benign. Review status: criteria provided, multiple submitters, no conflicts (2 of 4 stars). 3 submissions from 3 submitters: Benign (1); Likely benign (2). Last evaluated 2025-08-18.

Allele frequency attached by ClinVar (database versions not stated): 1000 Genomes Project 30x 0.00375; 1000 Genomes Project 0.00419; gnomAD exomes 0.00450 and 0.00603; ExAC 0.00461; ESP Exome Variant Server 0.00461; gnomAD 0.00486 and 0.00490; TOPMed 0.00527.
gnomAD v4.1: 9,520 of 1,611,372 alleles (0.59%); highest among the groups gnomAD compares: Non-Finnish European, 0.69%; 34 homozygotes.

Submissions (3):

Genomic Medicine Center of Excellence, King Faisal Specialist Hospital and Research Centre
Classification: Likely benign. Last evaluated: 2025-08-18. Review status: criteria provided, single submitter. Criteria: ACMG Guidelines, 2015. Collection method: clinical testing. Allele origin: germline.

CeGaT Center for Human Genetics Tuebingen
Classification: Likely benign. Last evaluated: 2023-02-01. Review status: criteria provided, single submitter. Criteria: CeGaT Center For Human Genetics Tuebingen Variant Classification Criteria Version 2. Collection method: clinical testing. Allele origin: germline. Affected: yes. Observed: 1 variant allele.
Comment: ETV1: BP4, BS2

Labcorp Genetics (formerly Invitae), Labcorp
Classification: Benign. Last evaluated: 2017-10-16. Review status: criteria provided, single submitter. Criteria: Invitae Variant Classification Sherloc (09022015). Collection method: clinical testing. Allele origin: germline.

NM_004956.5(ETV1):c.365+8C>T

Gene: ETV1 (ETS variant transcription factor 1; minus strand). Cytogenetic location: 7p21.2.
Variant type: single nucleotide variant.
Coding change: c.365+8C>T on transcript NM_004956.5 (MANE Select); 8 bases into the intron after coding-DNA position 365, C replaced by T.
Molecular consequence: intron variant.
Genome position (GRCh38, 1-based): chr7:13,939,109, G>A on the plus strand (C>T on the coding strand, the complement: ETV1 is on the minus strand). VCF-style: chr7-13939109-G-A. GRCh37 (hg19) VCF-style: chr7-13978734-G-A.
Other names: c.311+8C>T (NM_001163148.2, NM_001163149.2); c.365+8C>T (NM_001370555.1, NM_001163147.2, NM_001163147.1); c.317+8C>T (NM_001370556.1); c.191+8C>T (NM_001163151.2); c.245+8C>T (NM_001163152.2, NM_001163150.2).
Identifiers: ClinVar variation 792071 (VCV000792071.28), dbSNP rs17167679, ClinGen allele CA4167095.